The following is an entry in ClinVar:

ClinVar aggregate classification (germline): Benign/Likely benign. Review status: criteria provided, multiple submitters, no conflicts (2 of 4 stars). 5 submissions from 5 submitters: Benign (2); Likely benign (1). 2 of the submissions do not count toward it. Last evaluated 2026-01-13.

Conditions:
Catecholaminergic polymorphic ventricular tachycardia 1. Also called: RYR2-Related Catecholaminergic Polymorphic Ventricular Tachycardia; VENTRICULAR TACHYCARDIA, STRESS-INDUCED POLYMORPHIC 1; VENTRICULAR TACHYCARDIA, CATECHOLAMINERGIC POLYMORPHIC, 1, WITH OR WITHOUT ATRIAL DYSFUNCTION AND/OR DILATED CARDIOMYOPATHY. Identifiers: Orphanet 3286, MedGen C1631597, MONDO:0011484, OMIM 604772.

Allele frequency attached by ClinVar (database versions not stated): gnomAD 0.00006; TOPMed 0.00007.
gnomAD v4.1: 93 of 1,445,014 alleles (0.0064%); highest among the groups gnomAD compares: Non-Finnish European, 0.0085%; 1 homozygote.

Submissions (5):

Labcorp Genetics (formerly Invitae), Labcorp
Classification: Likely benign for Catecholaminergic polymorphic ventricular tachycardia 1. Last evaluated: 2026-01-13. Review status: criteria provided, single submitter. Criteria: Invitae Variant Classification Sherloc (09022015). Collection method: clinical testing. Allele origin: germline.

Women's Health and Genetics/Laboratory Corporation of America, LabCorp
Classification: Benign. Last evaluated: 2020-08-31. Review status: criteria provided, single submitter. Criteria: LabCorp Variant Classification Summary - May 2015. Collection method: clinical testing. Allele origin: germline.
Comment: Variant summary: RYR2 c.14808+17A>C alters a non-conserved nucleotide located close to a canonical splice site and therefore could affect mRNA splicing, leading to a significantly altered protein sequence. 4/4 computational tools predict no significant impact on normal splicing. However, these predictions have yet to be confirmed by functional studies. The variant allele was found at a frequency of 6.8e-05 in 233880 control chromosomes, predominantly at a frequency of 0.00013 within the Non-Finnish European subpopulation in the gnomAD database. The observed variant frequency within Non-Finnish European control individuals in the gnomAD database is approximately 3.8- fold the estimated maximal expected allele frequency for a pathogenic variant in RYR2 causing Catecholaminergic Polymorphic Ventricular Tachycardia phenotype (3.4e-05), strongly suggesting that the variant is a benign polymorphism found primarily in populations of Non-Finnish European origin. To our knowledge, no occurrence of c.14808+17A>C in individuals affected with Catecholaminergic Polymorphic Ventricular Tachycardia and no experimental evidence demonstrating its impact on protein function have been reported. One clinical diagnostic laboratory has submitted clinical-significance assessments for this variant to ClinVar after 2014 without evidence for independent evaluation and cited the variant as benign. Based on the evidence outlined above, the variant was classified as benign.

GeneDx
Classification: Benign. Last evaluated: 2015-06-23. Review status: criteria provided, single submitter. Criteria: GeneDx Variant Classification (06012015). Collection method: clinical testing. Allele origin: germline. Affected: yes.
Comment: This variant is considered likely benign or benign based on one or more of the following criteria: it is a conservative change, it occurs at a poorly conserved position in the protein, it is predicted to be benign by multiple in silico algorithms, and/or has population frequency not consistent with disease.

Diagnostic Laboratory, Department of Genetics, University Medical Center Groningen
Classification: Likely benign. Review status: no assertion criteria provided. Collection method: clinical testing. Allele origin: germline. Affected: yes. Study: VKGL Data-share Consensus. Not counted in ClinVar's aggregate classification.

Genome Diagnostics Laboratory, University Medical Center Utrecht
Classification: Likely benign. Review status: no assertion criteria provided. Collection method: clinical testing. Allele origin: germline. Affected: yes. Study: VKGL Data-share Consensus. Not counted in ClinVar's aggregate classification.

NM_001035.3(RYR2):c.14808+17A>C

Gene: RYR2 (ryanodine receptor 2; plus strand). Cytogenetic location: 1q43.
Variant type: single nucleotide variant.
Coding change: c.14808+17A>C on transcript NM_001035.3 (MANE Select); 17 bases into the intron after coding-DNA position 14808, A replaced by C.
Molecular consequence: intron variant.
Genome position (GRCh38, 1-based): chr1:237,831,582, A>C. VCF-style: chr1-237831582-A-C. GRCh37 (hg19) VCF-style: chr1-237994882-A-C.
Other names: c.14808+17A>C (LRG_402t1).
Identifiers: ClinVar variation 378495 (VCV000378495.15), dbSNP rs368520821, ClinGen allele CA085771.